The following is an entry in ClinVar:

ClinVar aggregate classification (germline): Conflicting classifications of pathogenicity. Review status: criteria provided, conflicting classifications (1 of 4 stars). 4 submissions from 4 submitters: Uncertain significance (2); Likely benign (1). 1 of the submissions does not count toward it. Last evaluated 2025-10-06.

Conditions:
Hereditary cancer-predisposing syndrome. Also called: Hereditary neoplastic syndrome; Tumor predisposition; Neoplastic Syndromes, Hereditary; Hereditary Cancer Syndrome. Identifiers: Orphanet 140162, MedGen C0027672, MeSH D009386, MONDO:0015356.

Allele frequency attached by ClinVar (database versions not stated): 1000 Genomes Project 0.00040; TOPMed 0.00001; gnomAD exomes 0.00002; gnomAD 0.00001 and 0.00003; 1000 Genomes Project 30x 0.00031; ExAC 0.00002.
gnomAD v4.1: 20 of 1,613,776 alleles (0.0012%); highest among the groups gnomAD compares: Middle Eastern, 0.016%; no homozygotes.

Submissions (4):

Labcorp Genetics (formerly Invitae), Labcorp
Classification: Uncertain significance. Last evaluated: 2025-10-06. Review status: criteria provided, single submitter. Criteria: Invitae Variant Classification Sherloc (09022015). Collection method: clinical testing. Allele origin: germline.
Comment: This sequence change replaces valine, which is neutral and non-polar, with alanine, which is neutral and non-polar, at codon 118 of the XRCC2 protein (p.Val118Ala). This variant is present in population databases (rs185815454, gnomAD 0.007%). This missense change has been observed in individual(s) with breast cancer (PMID: 23054243). ClinVar contains an entry for this variant (Variation ID: 656283). Invitae Evidence Modeling of protein sequence and biophysical properties (such as structural, functional, and spatial information, amino acid conservation, physicochemical variation, residue mobility, and thermodynamic stability) indicates that this missense variant is not expected to disrupt XRCC2 protein function with a negative predictive value of 80%. Experimental studies have shown that this missense change does not substantially affect XRCC2 function (PMID: 27233470). In summary, the available evidence is currently insufficient to determine the role of this variant in disease. Therefore, it has been classified as a Variant of Uncertain Significance.

Quest Diagnostics Nichols Institute San Juan Capistrano
Classification: Uncertain significance. Last evaluated: 2023-12-07. Review status: criteria provided, single submitter. Criteria: Quest Diagnostics criteria. Collection method: clinical testing. Allele origin: unknown.
Comment: The XRCC2 c.353T>C (p.Val118Ala) variant has been reported in the published literature in individuals with breast cancer (PMIDs: 23054243 (2012), 33471991 (2021)). In addition, this variant has been reported in an elderly, cancer-free woman (FLOSSIES). Functional studies demonstrate no effect of this variant in double-strand break repair rescue assays (PMID: 27233470 (2016)). The frequency of this variant in the general population, 0.000026 (3/113522 chromosomes (Genome Aggregation Database)), is uninformative in the assessment of its pathogenicity. Analysis of this variant using bioinformatics tools for the prediction of the effect of amino acid changes on protein structure and function yielded predictions that this variant is benign. Based on the available information, we are unable to determine the clinical significance of this variant.

Ambry Genetics
Classification: Likely benign for Hereditary cancer-predisposing syndrome. Last evaluated: 2022-09-13. Review status: criteria provided, single submitter. Criteria: Ambry Variant Classification Scheme 2023. Collection method: clinical testing. Allele origin: germline.

Leiden Open Variation Database
Classification: Uncertain significance. Last evaluated: 2016-04-14. Review status: no assertion criteria provided. Collection method: curation. Allele origin: germline. Affected: yes. Not counted in ClinVar's aggregate classification.
Comment: Curator: Arleen D. Auerbach. Submitter to LOVD: Florentine Hilbers.

Literature cited by the submitters: PubMed 23054243 (cited by 3 submitters); PubMed 27233470 (cited by 3 submitters); PubMed 33471991 (cited by Quest Diagnostics Nichols Institute San Juan Capistrano).

NM_005431.2(XRCC2):c.353T>C (p.Val118Ala)

Gene: XRCC2 (X-ray repair cross complementing 2; minus strand). Cytogenetic location: 7q36.1.
Variant type: single nucleotide variant.
Coding change: c.353T>C on transcript NM_005431.2 (MANE Select); coding-DNA position 353, T replaced by C.
Protein change: p.Val118Ala; replaces valine 118 with alanine.
Molecular consequence: missense variant.
Genome position (GRCh38, 1-based): chr7:152,649,132, A>G on the plus strand (T>C on the coding strand, the complement: XRCC2 is on the minus strand). VCF-style: chr7-152649132-A-G. GRCh37 (hg19) VCF-style: chr7-152346217-A-G.
Other names: short protein forms V118A.
Identifiers: ClinVar variation 656283 (VCV000656283.13), dbSNP rs185815454, ClinGen allele CA4582355.
Genomic context (GRCh38, chr7:152,649,132, plus strand): 5'-CAAAACATACTTTCTAGTGAGTAAAGTGTAAGAAGTAAGTGGGTGCTACTACTGCAGTAC[A>G]CCAAAAAAAATCTTCCCAGGCAGTATTTGATTATTTCTTCAGAGCTTTGGGATAGTCTGT-3'
Protein context (NP_005422.1, residues 108-128): IKYCLGRFFL[Val118Ala]YCSSSTHLLL